The following is an entry in ClinVar:

NM_001144869.3(LIPT2):c.41T>A (p.Val14Glu)

Genes: LIPT2 (lipoyl(octanoyl) transferase 2; minus strand), LIPT2-AS1 (LIPT2 antisense RNA 1; plus strand). Cytogenetic location: 11q13.4.
Variant type: single nucleotide variant.
Coding change: c.41T>A on transcript NM_001144869.3 (MANE Select); coding-DNA position 41, T replaced by A.
Protein change: p.Val14Glu; replaces valine 14 with glutamic acid.
Molecular consequence: missense variant. On other transcripts: non-coding transcript variant (1).
Genome position (GRCh38, 1-based): chr11:74,493,663, A>T on the plus strand (T>A on the coding strand, the complement: LIPT2 is on the minus strand). VCF-style: chr11-74493663-A-T. GRCh37 (hg19) VCF-style: chr11-74204708-A-T.
Other names: c.41T>A (NM_001144869.1); c.41T>A, p.Val14Glu (NM_001329941.2, NM_001329942.2); short protein forms V14E.
Identifiers: ClinVar variation 2190981 (VCV002190981.5), dbSNP rs998592620, ClinGen allele CA224979340.

ClinVar aggregate classification (germline): Uncertain significance. Review status: criteria provided, multiple submitters, no conflicts (2 of 4 stars). 2 submissions from 2 submitters: Uncertain significance (2). Last evaluated 2025-10-24.

Allele frequency attached by ClinVar (database versions not stated): gnomAD 0.00001; gnomAD exomes 0.00002.
gnomAD v4.1: 24 of 1,432,162 alleles (0.0017%); highest among the groups gnomAD compares: Non-Finnish European, 0.002%; no homozygotes.

Submissions (2):

Ambry Genetics
Classification: Uncertain significance. Last evaluated: 2025-10-24. Review status: criteria provided, single submitter. Criteria: Ambry Variant Classification Scheme 2023. Collection method: clinical testing. Allele origin: germline.

Labcorp Genetics (formerly Invitae), Labcorp
Classification: Uncertain significance. Last evaluated: 2024-10-24. Review status: criteria provided, single submitter. Criteria: Invitae Variant Classification Sherloc (09022015). Collection method: clinical testing. Allele origin: germline.
Comment: This sequence change replaces valine, which is neutral and non-polar, with glutamic acid, which is acidic and polar, at codon 14 of the LIPT2 protein (p.Val14Glu). This variant is not present in population databases (gnomAD no frequency). This variant has not been reported in the literature in individuals affected with LIPT2-related conditions. ClinVar contains an entry for this variant (Variation ID: 2190981). An algorithm developed to predict the effect of missense changes on protein structure and function (PolyPhen-2) suggests that this variant is likely to be tolerated. In summary, the available evidence is currently insufficient to determine the role of this variant in disease. Therefore, it has been classified as a Variant of Uncertain Significance.